The following is an entry in ClinVar:

ClinVar aggregate classification (germline): Benign (1 of 4 stars; one submission).

Allele frequency attached by ClinVar (database versions not stated): 1000 Genomes Project 30x 0.00547; 1000 Genomes Project 0.00579; TOPMed 0.00687; gnomAD 0.00996 and 0.01009.

Submission:

CeGaT Center for Human Genetics Tuebingen
Classification: Benign. Last evaluated: 2023-06-01. Review status: criteria provided, single submitter. Criteria: CeGaT Center For Human Genetics Tuebingen Variant Classification Criteria Version 2. Collection method: clinical testing. Allele origin: germline. Affected: yes. Observed: 3 variant alleles.
Comment: PSAT1: BS1, BS2

NM_058179.4(PSAT1):c.*836A>G

Gene: PSAT1 (phosphoserine aminotransferase 1; plus strand). Cytogenetic location: 9q21.2.
Variant type: single nucleotide variant.
Coding change: c.*836A>G on transcript NM_058179.4 (MANE Select); 836 bases downstream of the stop codon, A replaced by G.
Molecular consequence: 3 prime UTR variant.
Genome position (GRCh38, 1-based): chr9:78,329,922, A>G. VCF-style: chr9-78329922-A-G. GRCh37 (hg19) VCF-style: chr9-80944838-A-G.
Other names: c.*836A>G (NM_021154.5).
Identifiers: ClinVar variation 367469 (VCV000367469.32), dbSNP rs41277905, ClinGen allele CA10634066.
Genomic context (GRCh38, chr9:78,329,922, plus strand): 5'-TACCATTCTTTCCATAGGTAGAAGAGAAAGTTGATTGGTTGGTTGTTTTTCAATTATGCC[A>G]TTAAACTAAACATTTCTGTTAAATTACCCTATCCTTTGTTCTCTACTGTTTTCTTTGTAA-3'